The following is an entry in ClinVar:

NM_000038.6(APC):c.4849C>G (p.Leu1617Val)

Gene: APC (APC regulator of Wnt signaling pathway; plus strand). Cytogenetic location: 5q22.2.
Variant type: single nucleotide variant.
Coding change: c.4849C>G on transcript NM_000038.6 (MANE Select); coding-DNA position 4849, C replaced by G.
Protein change: p.Leu1617Val; replaces leucine 1617 with valine.
Molecular consequence: missense variant.
Genome position (GRCh38, 1-based): chr5:112,840,443, C>G. VCF-style: chr5-112840443-C-G. GRCh37 (hg19) VCF-style: chr5-112176140-C-G.
Other names: c.4849C>G, p.Leu1617Val (NM_001127510.3, NM_001354895.2); c.4795C>G, p.Leu1599Val (NM_001127511.3); c.4903C>G, p.Leu1635Val (NM_001354896.2); c.4879C>G, p.Leu1627Val (NM_001354897.2); c.4774C>G, p.Leu1592Val (NM_001354898.2); c.4765C>G, p.Leu1589Val (NM_001354899.2); c.4726C>G, p.Leu1576Val (NM_001354900.2); c.4672C>G, p.Leu1558Val (NM_001354901.2); and 5 more; short protein forms L1599V, L1617V, L1457V, L1576V, L1589V, L1627V, L1526V, L1516V.
Identifiers: ClinVar variation 469980 (VCV000469980.12), dbSNP rs1489248428, ClinGen allele CA16031956.

ClinVar aggregate classification (germline): Uncertain significance. Review status: criteria provided, multiple submitters, no conflicts (2 of 4 stars). 2 submissions from 2 submitters: Uncertain significance (2). Last evaluated 2025-08-26.

Conditions:
Hereditary cancer-predisposing syndrome. Also called: Hereditary neoplastic syndrome; Neoplastic Syndromes, Hereditary; Tumor predisposition; Hereditary Cancer Syndrome. Identifiers: Orphanet 140162, MedGen C0027672, MeSH D009386, MONDO:0015356.
Familial adenomatous polyposis 1 (FAP1). Also called: POLYPOSIS, ADENOMATOUS INTESTINAL; FAMILIAL ADENOMATOUS POLYPOSIS 1, ATTENUATED. Identifiers: MedGen C2713442, MONDO:0021056, OMIM 175100. Disease mechanism: loss of function.

Allele frequency attached by ClinVar (database versions not stated): TOPMed below 0.00001.

Submissions (2):

Labcorp Genetics (formerly Invitae), Labcorp
Classification: Uncertain significance for Familial adenomatous polyposis 1. Last evaluated: 2025-08-26. Review status: criteria provided, single submitter. Criteria: Invitae Variant Classification Sherloc (09022015). Collection method: clinical testing. Allele origin: germline.
Comment: This sequence change replaces leucine, which is neutral and non-polar, with valine, which is neutral and non-polar, at codon 1617 of the APC protein (p.Leu1617Val). This variant is not present in population databases (gnomAD no frequency). This variant has not been reported in the literature in individuals affected with APC-related conditions. ClinVar contains an entry for this variant (Variation ID: 469980). Invitae Evidence Modeling of protein sequence and biophysical properties (such as structural, functional, and spatial information, amino acid conservation, physicochemical variation, residue mobility, and thermodynamic stability) indicates that this missense variant is not expected to disrupt APC protein function with a negative predictive value of 95%. In summary, the available evidence is currently insufficient to determine the role of this variant in disease. Therefore, it has been classified as a Variant of Uncertain Significance.

Ambry Genetics
Classification: Uncertain significance for Hereditary cancer-predisposing syndrome. Last evaluated: 2020-01-21. Review status: criteria provided, single submitter. Criteria: Ambry Variant Classification Scheme 2023. Collection method: clinical testing. Allele origin: germline.
Comment: The p.L1617V variant (also known as c.4849C>G), located in coding exon 15 of the APC gene, results from a C to G substitution at nucleotide position 4849. The leucine at codon 1617 is replaced by valine, an amino acid with highly similar properties. This amino acid position is well conserved in available vertebrate species. In addition, in silico predictors for this gene do not accurately predict pathogenicity. Since supporting evidence is limited at this time, the clinical significance of this alteration remains unclear.